The following is an entry in ClinVar:

ClinVar aggregate classification (germline): Uncertain significance (1 of 4 stars; one submission).

Conditions:
Early-infantile DEE. Also called: Ohtahara syndrome; Early infantile epileptic encephalopathy with suppression bursts; Early infantile epileptic encephalopathy. Identifiers: Orphanet 1934, MedGen C0393706, MONDO:0800491.

Allele frequency attached by ClinVar (database versions not stated): gnomAD exomes below 0.00001.
gnomAD v4.1: 2 of 1,587,892 alleles (0.00013%); highest among the groups gnomAD compares: Non-Finnish European, 0.00017%; no homozygotes.

Submission:

Labcorp Genetics (formerly Invitae), Labcorp
Classification: Uncertain significance for Early-infantile DEE. Last evaluated: 2020-10-20. Review status: criteria provided, single submitter. Criteria: Invitae Variant Classification Sherloc (09022015). Collection method: clinical testing. Allele origin: germline.
Comment: This sequence change replaces phenylalanine with serine at codon 678 of the CACNA2D2 protein (p.Phe678Ser). The phenylalanine residue is highly conserved and there is a large physicochemical difference between phenylalanine and serine. This variant is not present in population databases (ExAC no frequency). This variant has not been reported in the literature in individuals with CACNA2D2-related conditions. Algorithms developed to predict the effect of missense changes on protein structure and function (SIFT, PolyPhen-2, Align-GVGD) all suggest that this variant is likely to be disruptive, but these predictions have not been confirmed by published functional studies and their clinical significance is uncertain. In summary, the available evidence is currently insufficient to determine the role of this variant in disease. Therefore, it has been classified as a Variant of Uncertain Significance.

NM_006030.4(CACNA2D2):c.2033T>C (p.Phe678Ser)

Gene: CACNA2D2 (calcium voltage-gated channel auxiliary subunit alpha2delta 2; minus strand). Cytogenetic location: 3p21.31.
Variant type: single nucleotide variant.
Coding change: c.2033T>C on transcript NM_006030.4 (MANE Select); coding-DNA position 2033, T replaced by C.
Protein change: p.Phe678Ser; replaces phenylalanine 678 with serine.
Molecular consequence: missense variant.
Genome position (GRCh38, 1-based): chr3:50,370,332, A>G on the plus strand (T>C on the coding strand, the complement: CACNA2D2 is on the minus strand). VCF-style: chr3-50370332-A-G. GRCh37 (hg19) VCF-style: chr3-50407763-A-G.
Other names: c.2033T>C, p.Phe678Ser (NM_001005505.3); c.2054T>C, p.Phe685Ser (NM_001174051.3); c.1826T>C, p.Phe609Ser (NM_001291101.1); short protein forms F609S, F678S, F685S.
Identifiers: ClinVar variation 1018046 (VCV001018046.6), dbSNP rs1704584718, ClinGen allele CA352918759.